The following is an entry in ClinVar:

ClinVar aggregate classification (germline): Uncertain significance (1 of 4 stars; one submission).

Conditions:
Severe combined immunodeficiency due to DNA-PKcs deficiency. Also called: IMMUNODEFICIENCY 26 WITH NEUROLOGIC ABNORMALITIES; Immunodeficiency 26 with or without neurologic abnormalities. Identifiers: Orphanet 317425, MedGen C4014833, MONDO:0014423, OMIM 615966.

Allele frequency attached by ClinVar (database versions not stated): gnomAD below 0.00001 and 0.00005; TOPMed 0.00001; gnomAD exomes 0.00005 and 0.00011; 1000 Genomes Project 30x 0.00016; 1000 Genomes Project 0.00020; ExAC 0.00024.

Submission:

Labcorp Genetics (formerly Invitae), Labcorp
Classification: Uncertain significance for Immunodeficiency 26 with or without neurologic abnormalities. Last evaluated: 2019-05-09. Review status: criteria provided, single submitter. Criteria: Invitae Variant Classification Sherloc (09022015). Collection method: clinical testing. Allele origin: germline.
Comment: This sequence change replaces asparagine with serine at codon 3185 of the PRKDC protein (p.Asn3185Ser). The asparagine residue is moderately conserved and there is a small physicochemical difference between asparagine and serine. This variant is present in population databases (rs531831112, ExAC 0.1%). This variant has not been reported in the literature in individuals with PRKDC-related disease. Algorithms developed to predict the effect of missense changes on protein structure and function (SIFT, PolyPhen-2, Align-GVGD) all suggest that this variant is likely to be tolerated, but these predictions have not been confirmed by published functional studies and their clinical significance is uncertain. In summary, the available evidence is currently insufficient to determine the role of this variant in disease. Therefore, it has been classified as a Variant of Uncertain Significance.

NM_006904.7(PRKDC):c.9554A>G (p.Asn3185Ser)

Gene: PRKDC (protein kinase, DNA-activated, catalytic subunit; minus strand). Cytogenetic location: 8q11.21.
Variant type: single nucleotide variant.
Coding change: c.9554A>G on transcript NM_006904.7 (MANE Select); coding-DNA position 9554, A replaced by G.
Protein change: p.Asn3185Ser; replaces asparagine 3185 with serine.
Molecular consequence: missense variant.
Genome position (GRCh38, 1-based): chr8:47,817,453, T>C on the plus strand (A>G on the coding strand, the complement: PRKDC is on the minus strand). VCF-style: chr8-47817453-T-C. GRCh37 (hg19) VCF-style: chr8-48730014-T-C.
Other names: c.9554A>G, p.Asn3185Ser (NM_001081640.2); short protein forms N3185S.
Identifiers: ClinVar variation 952672 (VCV000952672.1), dbSNP rs531831112, ClinGen allele CA4739549.